The following is an entry in ClinVar:

NM_206933.4(USH2A):c.2001C>T (p.His667=)

Gene: USH2A (usherin; minus strand). Cytogenetic location: 1q41.
Variant type: single nucleotide variant.
Coding change: c.2001C>T on transcript NM_206933.4 (MANE Select); coding-DNA position 2001, C replaced by T.
Protein change: p.His667=; no amino-acid change (histidine 667 retained).
Molecular consequence: synonymous variant.
Genome position (GRCh38, 1-based): chr1:216,251,069, G>A on the plus strand (C>T on the coding strand, the complement: USH2A is on the minus strand). VCF-style: chr1-216251069-G-A. GRCh37 (hg19) VCF-style: chr1-216424411-G-A.
Other names: c.2001C>T, p.His667= (NM_007123.6).
Identifiers: ClinVar variation 178582 (VCV000178582.49), dbSNP rs142870255, ClinGen allele CA182606.

ClinVar aggregate classification (germline): Conflicting classifications of pathogenicity. Review status: criteria provided, conflicting classifications (1 of 4 stars). 12 submissions from 11 submitters: Uncertain significance (2); Benign (1); Likely benign (6). 3 of the submissions do not count toward it. Last evaluated 2026-02-01.

Conditions:
Retinitis pigmentosa (RP). Identifiers: Orphanet 791, MedGen C0035334, MeSH D012174, MONDO:0019200, OMIM 268000. Inheritance: Autosomal dominant, autosomal recessive and X linked inheritance.
Usher syndrome type 2A. Also called: USHER SYNDROME, TYPE IIA; RETINAL DISEASE IN USHER SYNDROME TYPE IIA, MODIFIER OF. Identifiers: Orphanet 231178, Orphanet 886, MedGen C1848634, MONDO:0010169, OMIM 276901.

Allele frequency attached by ClinVar (database versions not stated): TOPMed 0.00065; gnomAD 0.00073; ESP Exome Variant Server 0.00077; 1000 Genomes Project 30x 0.00094; 1000 Genomes Project 0.00120.
gnomAD v4.1: 284 of 1,613,972 alleles (0.018%); highest among the groups gnomAD compares: African/African-American, 0.22%; 1 homozygote.

Submissions (12):

Labcorp Genetics (formerly Invitae), Labcorp
Classification: Benign. Last evaluated: 2026-02-01. Review status: criteria provided, single submitter. Criteria: Invitae Variant Classification Sherloc (09022015). Collection method: clinical testing. Allele origin: germline.

Women's Health and Genetics/Laboratory Corporation of America, LabCorp
Classification: Likely benign. Last evaluated: 2025-11-05. Review status: criteria provided, single submitter. Criteria: LabCorp Variant Classification Summary - May 2015. Collection method: clinical testing. Allele origin: germline.

Blueprint Genetics
Classification: Likely benign. Last evaluated: 2024-11-22. Review status: criteria provided, single submitter. Criteria: ACMG Guidelines, 2015. Collection method: clinical testing. Allele origin: germline.

CeGaT Center for Human Genetics Tuebingen
Classification: Likely benign. Last evaluated: 2022-03-01. Review status: criteria provided, single submitter. Criteria: CeGaT Center For Human Genetics Tuebingen Variant Classification Criteria Version 2. Collection method: clinical testing. Allele origin: germline. Affected: yes. Observed: 1 variant allele.
Comment: USH2A: BP4, BP7

GeneDx
Classification: Likely benign. Last evaluated: 2021-01-06. Review status: criteria provided, single submitter. Criteria: GeneDx Variant Classification Process June 2021. Collection method: clinical testing. Allele origin: germline. Affected: yes.

Illumina Laboratory Services, Illumina
Classification: Uncertain significance for Usher syndrome type 2A. Last evaluated: 2018-01-13. Review status: criteria provided, single submitter. Criteria: ICSL Variant Classification Criteria 13 December 2019. Collection method: clinical testing. Allele origin: germline.

Illumina Laboratory Services, Illumina
Classification: Uncertain significance for Retinitis pigmentosa. Last evaluated: 2018-01-13. Review status: criteria provided, single submitter. Criteria: ICSL Variant Classification Criteria 13 December 2019. Collection method: clinical testing. Allele origin: germline.

Laboratory for Molecular Medicine, Mass General Brigham Personalized Medicine
Classification: Likely benign. Last evaluated: 2012-04-30. Review status: criteria provided, single submitter. Criteria: LMM Criteria. Collection method: clinical testing. Allele origin: germline. Observed: 2 variant alleles.
Comment: p.His667His in exon 12 of USH2A: This variant is not expected to have clinical s ignificance because it does not alter an amino acid residue, is not located with in the splice consensus sequence, and has been identified in 0.2% (6/3738) of Af rican American chromosomes by the NHLBI Exome Sequencing Project (.; dbSNP rs142870255).

PreventionGenetics, part of Exact Sciences
Classification: Likely benign. Review status: criteria provided, single submitter. Criteria: ACMG Guidelines, 2015. Collection method: clinical testing. Allele origin: germline.

Natera, Inc.
Classification: Likely benign for Usher syndrome type 2A. Last evaluated: 2020-05-01. Review status: no assertion criteria provided. Collection method: clinical testing. Allele origin: germline. Not counted in ClinVar's aggregate classification.

Clinical Genetics DNA and cytogenetics Diagnostics Lab, Erasmus MC, Erasmus Medical Center
Classification: Likely benign. Review status: no assertion criteria provided. Collection method: clinical testing. Allele origin: germline. Affected: yes. Study: VKGL Data-share Consensus. Not counted in ClinVar's aggregate classification.

Clinical Genetics, Academic Medical Center
Classification: Likely benign. Review status: no assertion criteria provided. Collection method: clinical testing. Allele origin: germline. Affected: yes. Study: VKGL Data-share Consensus. Not counted in ClinVar's aggregate classification.